The following is an entry in ClinVar:

NM_001614.5(ACTG1):c.608C>T (p.Thr203Met)

Gene: ACTG1 (actin gamma 1; minus strand). Cytogenetic location: 17q25.3.
Variant type: single nucleotide variant.
Coding change: c.608C>T on transcript NM_001614.5 (MANE Select); coding-DNA position 608, C replaced by T.
Protein change: p.Thr203Met; replaces threonine 203 with methionine.
Molecular consequence: missense variant. On other transcripts: non-coding transcript variant (1).
Genome position (GRCh38, 1-based): chr17:81,511,382, G>A on the plus strand (C>T on the coding strand, the complement: ACTG1 is on the minus strand). VCF-style: chr17-81511382-G-A. GRCh37 (hg19) VCF-style: chr17-79478408-G-A.
Other names: c.608C>T, p.Thr203Met (NM_001199954.3); short protein forms T203M.
Identifiers: ClinVar variation 803470 (VCV000803470.3), dbSNP rs281875327, ClinGen allele CA401460462.

ClinVar aggregate classification (germline): Likely pathogenic. Review status: criteria provided, single submitter (1 of 4 stars). 2 submissions from 2 submitters: Likely pathogenic (1). 1 of the submissions does not count toward it. Last evaluated 2019-05-28.

Conditions:
Baraitser-Winter syndrome. Also called: CEREBROOCULOFACIAL LYMPHATIC SYNDROME; COFL SYNDROME; Fryns-Aftimos syndrome; Fryns-Aftimos Syndrome (Pachygyria, Mental Retardation, Epilepsy, and Characteristic Facies); Baraitser-Winter cerebrofrontofacial syndrome. Identifiers: Orphanet 2995, MedGen C1853623, MONDO:0017579.
Autosomal dominant nonsyndromic hearing loss 20. Identifiers: Orphanet 90635, MedGen C1858172, MONDO:0011480, OMIM 604717.

Submissions (2):

Mendelics
Classification: Likely pathogenic for Autosomal dominant nonsyndromic hearing loss 20. Last evaluated: 2019-05-28. Review status: criteria provided, single submitter. Criteria: Mendelics Assertion Criteria 2017. Collection method: clinical testing. Allele origin: unknown.

GeneReviews
No classification provided. Condition: Baraitser-Winter syndrome. Review status: no classification provided. Collection method: literature only. Allele origin: germline. Not counted in ClinVar's aggregate classification.
Comment: Assoc w/severe phenotype [Vontell et al 2019, Chacon-Camacho et al 2020]

Literature cited by the submitters: PubMed 31231230 (cited by GeneReviews); PubMed 32028042 (cited by GeneReviews); NCBI Bookshelf NBK327153 (cited by GeneReviews).